The following is an entry in ClinVar:

ClinVar aggregate classification (germline): Conflicting classifications of pathogenicity. Review status: criteria provided, conflicting classifications (1 of 4 stars). 4 submissions from 4 submitters: Likely pathogenic (2); Uncertain significance (2). Last evaluated 2026-01-01.

Conditions:
MAGEL2-related disorder. Also called: MAGEL2-related condition.
Schaaf-Yang syndrome (SHFYNG). Also called: MAGEL2-related Prader-Willi-like syndrome; Arthrogryposis, distal, with hypopituitarism, intellectual disability, and facial anomalies. Identifiers: Orphanet 398069, MedGen C5575066, MONDO:0014243, OMIM 615547.

Submissions (4):

CeGaT Center for Human Genetics Tuebingen
Classification: Uncertain significance. Last evaluated: 2026-01-01. Review status: criteria provided, single submitter. Criteria: CeGaT Center For Human Genetics Tuebingen Variant Classification Criteria Version 2. Collection method: clinical testing. Allele origin: germline. Affected: yes. Observed: 1 variant allele.
Comment: MAGEL2: PM2, PVS1:Moderate, PS4:Supporting

PreventionGenetics, part of Exact Sciences
Classification: Likely pathogenic for MAGEL2-related condition. Last evaluated: 2025-10-17. Review status: criteria provided, single submitter. Criteria: ACMG Guidelines, 2015. Collection method: clinical testing. Allele origin: germline.
Comment: The MAGEL2 c.3449_3450delTT variant is predicted to result in a frameshift and premature protein termination (p.Phe1150Trpfs*4). This variant has been reported in an individual with Schaaf-Yang syndrome (Ahn et al. 2020. PubMed ID: 33371171). This variant is reported in 0.0029% of alleles in individuals of Latino descent in gnomAD. Frameshift variants in MAGEL2 are expected to be pathogenic. This variant is interpreted as likely pathogenic.

Labcorp Genetics (formerly Invitae), Labcorp
Classification: Uncertain significance. Last evaluated: 2025-02-12. Review status: criteria provided, single submitter. Criteria: Invitae Variant Classification Sherloc (09022015). Collection method: clinical testing. Allele origin: germline.
Comment: This sequence change creates a premature translational stop signal (p.Phe1150Trpfs*4) in the MAGEL2 gene. While this is not anticipated to result in nonsense mediated decay, it is expected to disrupt the last 100 amino acid(s) of the MAGEL2 protein. This variant is present in population databases (no rsID available, gnomAD 0.003%). This premature translational stop signal has been observed in individual(s) with clinical features of Schaaf-Yang syndrome (PMID: 33371171). ClinVar contains an entry for this variant (Variation ID: 1696363). Experimental studies and prediction algorithms are not available or were not evaluated, and the functional significance of this variant is currently unknown. In summary, the available evidence is currently insufficient to determine the role of this variant in disease. Therefore, it has been classified as a Variant of Uncertain Significance.

Women's Health and Genetics/Laboratory Corporation of America, LabCorp
Classification: Likely pathogenic for Prader-Willi-like syndrome. Last evaluated: 2022-05-24. Review status: criteria provided, single submitter. Criteria: LabCorp Variant Classification Summary - May 2015. Collection method: clinical testing. Allele origin: germline.
Comment: Variant summary: MAGEL2 c.3449_3450delTT (p.Phe1150TrpfsX4) results in a premature termination codon, predicted to cause a truncation of the encoded protein or absence of the protein due to nonsense mediated decay, which are commonly known mechanisms for disease. Truncations downstream of this position have been reported in association with Schaaf-Yang syndrome in HGMD and classified as likely pathogenic in Clinvar. The variant allele was found at a frequency of 4e-06 in 248912 control chromosomes. c.3449_3450delTT has been reported in the literature in an individual affected with Schaaf-Yang Syndrome (Ahn_2020). To our knowledge, no experimental evidence demonstrating an impact on protein function has been reported. No clinical diagnostic laboratories have submitted clinical-significance assessments for this variant to ClinVar after 2014. Based on the evidence outlined above, the variant was classified as likely pathogenic.

Literature cited by the submitters: PubMed 33371171 (cited by Labcorp Genetics (formerly Invitae), Labcorp and Women's Health and Genetics/Laboratory Corporation of America, LabCorp).

NM_019066.5(MAGEL2):c.3449_3450del (p.Phe1150fs)

Gene: MAGEL2 (MAGE family member L2; minus strand). Cytogenetic location: 15q11.2.
Variant type: Deletion.
Coding change: c.3449_3450del on transcript NM_019066.5 (MANE Select); coding-DNA positions 3449 to 3450, 2 bases deleted (TT; older notation c.3449_3450delTT).
Protein change: p.Phe1150fs; shifts the reading frame from phenylalanine 1150.
Molecular consequence: frameshift variant.
Genome position (GRCh38, 1-based): chr15:23,644,293-23,644,294, AA deleted on the plus strand (TT on the coding strand, the reverse complement: MAGEL2 is on the minus strand); deleting any 2 consecutive bases within chr15:23,644,293-23,644,295 gives the same sequence; the c. name uses the placement nearest the transcript's 3' end. VCF-style (leftmost placement, unchanged base first): chr15-23644292-CAA-C. GRCh37 (hg19) VCF-style: chr15-23889439-CAA-C.
Other names: short protein forms F1150fs.
Identifiers: ClinVar variation 1696363 (VCV001696363.11), dbSNP rs998860333, ClinGen allele CA267657663.